The following is an entry in ClinVar:

ClinVar aggregate classification (germline): Uncertain significance. Review status: criteria provided, multiple submitters, no conflicts (2 of 4 stars). 3 submissions from 3 submitters: Uncertain significance (3). Last evaluated 2025-06-10.

Conditions:
Hypercholesterolemia, autosomal dominant, 3 (FHCL3). Also called: Familial Hypercholesterolemia, Autosomal Dominant, 3; PCSK9-Related Familial Hypercholesterolemia, Autosomal Dominant; Familial hypercholesterolemia 3. Identifiers: MedGen C1863551, MONDO:0011369, OMIM 603776.
Familial hypercholesterolemia. Also called: Familial hypercholesterolaemia; Familial hypercholesterolemias. Identifiers: MedGen C0020445, MONDO:0005439.

Allele frequency attached by ClinVar (database versions not stated): gnomAD exomes below 0.00001; gnomAD 0.00001.

Submissions (3):

Color Diagnostics, LLC DBA Color Health
Classification: Uncertain significance for Familial hypercholesterolemia. Last evaluated: 2025-06-10. Review status: criteria provided, single submitter. Criteria: ACMG Guidelines, 2015. Collection method: clinical testing. Allele origin: germline.
Comment: This missense variant replaces valine with alanine at codon 200 of the PCSK9 protein. Computational prediction suggests that this variant may not impact protein structure and function. To our knowledge, functional studies have not been reported for this variant. This variant has been reported in an individual affected with familial hypercholesterolemia (PMID: 33147992). This variant has not been identified in the general population by the Genome Aggregation Database (gnomAD). The available evidence is insufficient to determine the role of this variant in disease conclusively. Therefore, this variant is classified as a Variant of Uncertain Significance.

Labcorp Genetics (formerly Invitae), Labcorp
Classification: Uncertain significance for Hypercholesterolemia, autosomal dominant, 3. Last evaluated: 2025-03-16. Review status: criteria provided, single submitter. Criteria: Invitae Variant Classification Sherloc (09022015). Collection method: clinical testing. Allele origin: germline.
Comment: This sequence change replaces valine, which is neutral and non-polar, with alanine, which is neutral and non-polar, at codon 200 of the PCSK9 protein (p.Val200Ala). This variant is not present in population databases (gnomAD no frequency). This missense change has been observed in individual(s) with hypercholesterolemia (PMID: 33147992). ClinVar contains an entry for this variant (Variation ID: 2722333). Invitae Evidence Modeling of protein sequence and biophysical properties (such as structural, functional, and spatial information, amino acid conservation, physicochemical variation, residue mobility, and thermodynamic stability) indicates that this missense variant is not expected to disrupt PCSK9 protein function with a negative predictive value of 80%. In summary, the available evidence is currently insufficient to determine the role of this variant in disease. Therefore, it has been classified as a Variant of Uncertain Significance.

All of Us Research Program, National Institutes of Health
Classification: Uncertain significance for Hypercholesterolemia, autosomal dominant, 3. Last evaluated: 2023-10-27. Review status: criteria provided, single submitter. Criteria: ACMG Guidelines, 2015. Collection method: clinical testing. Allele origin: germline. Inheritance: Autosomal dominant inheritance. Observed: 3 variant alleles, 3 heterozygotes.
Comment: This missense variant replaces valine with alanine at codon 200 of the PCSK9 protein. Computational prediction suggests that this variant may not impact protein structure and function (internally defined REVEL score threshold <= 0.5, PMID: 27666373). To our knowledge, functional studies have not been reported for this variant. This variant has been reported in an individual affected with familial hypercholesterolemia (PMID: 33147992). This variant has not been identified in the general population by the Genome Aggregation Database (gnomAD). The available evidence is insufficient to determine the role of this variant in disease conclusively. Therefore, this variant is classified as a Variant of Uncertain Significance.

This study involves interpretation of variants in research participants for the purpose of population health screening. Participant phenotype was not available at the time of variant classification. Additional details can be found in publication PMID: 35346344, PMCID: PMC8962531

Literature cited by the submitters: PubMed 33147992 (cited by 3 submitters).

NM_174936.4(PCSK9):c.599T>C (p.Val200Ala)

Gene: PCSK9 (proprotein convertase subtilisin/kexin type 9; plus strand). Cytogenetic location: 1p32.3.
Variant type: single nucleotide variant.
Coding change: c.599T>C on transcript NM_174936.4 (MANE Select); coding-DNA position 599, T replaced by C.
Protein change: p.Val200Ala; replaces valine 200 with alanine.
Molecular consequence: missense variant. On other transcripts: non-coding transcript variant (8).
Genome position (GRCh38, 1-based): chr1:55,052,353, T>C. VCF-style: chr1-55052353-T-C. GRCh37 (hg19) VCF-style: chr1-55518026-T-C.
Other names: c.407T>C, p.Val136Ala (NM_001407245.1); c.224T>C, p.Val75Ala (NM_001407246.1); c.599T>C, p.Val200Ala (NM_001407247.1, NM_001407241.1, NM_001407242.1 and 1 more transcripts); c.722T>C, p.Val241Ala (NM_001407240.1); c.542T>C, p.Val181Ala (NM_001407243.1); short protein forms V136A, V181A, V200A, V75A, V241A.
Identifiers: ClinVar variation 2722333 (VCV002722333.5), dbSNP rs1644680789, ClinGen allele CA340473377.